The following is an entry in ClinVar:

ClinVar aggregate classification (germline): Pathogenic (1 of 4 stars; one submission).

Conditions:
Methylmalonic aciduria, cblB type (MACB). Also called: Methylmalonic acidemia cblB type; METHYLMALONIC ACIDURIA, VITAMIN B12-RESPONSIVE, DUE TO DEFECT IN SYNTHESIS OF ADENOSYLCOBALAMIN, cblB TYPE; Vitamin B12-responsive methylmalonic acidemia type cblB. Identifiers: Orphanet 28, Orphanet 79311, MedGen C1855102, MONDO:0009614, OMIM 251110.

Submission:

Labcorp Genetics (formerly Invitae), Labcorp
Classification: Pathogenic for Methylmalonic aciduria, cblB type. Last evaluated: 2021-03-08. Review status: criteria provided, single submitter. Criteria: Invitae Variant Classification Sherloc (09022015). Collection method: clinical testing. Allele origin: germline.
Comment: For these reasons, this variant has been classified as Pathogenic. This variant has not been reported in the literature in individuals with MMAB-related conditions. This variant is not present in population databases (ExAC no frequency). This sequence change creates a premature translational stop signal (p.Cys21Leufs*49) in the MMAB gene. It is expected to result in an absent or disrupted protein product. Loss-of-function variants in MMAB are known to be pathogenic (PMID: 15781192, 16410054).

Literature cited by the submitters: PubMed 15781192; PubMed 16410054.

NM_052845.4(MMAB):c.61dup (p.Cys21fs)

Genes: MMAB (metabolism of cobalamin associated B; minus strand), MVK (mevalonate kinase; plus strand). Cytogenetic location: 12q24.11.
Variant type: Duplication.
Coding change: c.61dup on transcript NM_052845.4 (MANE Select); coding-DNA position 61, one base duplicated (T; older notation c.61dupT).
Protein change: p.Cys21fs; shifts the reading frame from cysteine 21.
Molecular consequence: frameshift variant. On other transcripts: non-coding transcript variant (1).
Genome position (GRCh38, 1-based): chr12:109,573,420, A duplicated on the plus strand (T on the coding strand, the reverse complement: MMAB is on the minus strand). VCF-style (leftmost placement, unchanged base first): chr12-109573419-C-CA. GRCh37 (hg19) VCF-style: chr12-110011224-C-CA.
Other names: short protein forms C21fs.
Identifiers: ClinVar variation 1434079 (VCV001434079.6), dbSNP rs2136213505, ClinGen allele CA2573147992.